The following is an entry in ClinVar:

ClinVar aggregate classification (germline): Uncertain significance (1 of 4 stars; one submission).

gnomAD v4.1: 1 of 1,614,170 alleles (0.000062%); highest among the groups gnomAD compares: Non-Finnish European, 0.000085%; no homozygotes.

Submission:

CeGaT Center for Human Genetics Tuebingen
Classification: Uncertain significance. Last evaluated: 2026-09-01. Review status: criteria provided, single submitter. Criteria: CeGaT Center For Human Genetics Tuebingen Variant Classification Criteria Version 2. Collection method: clinical testing. Allele origin: germline. Affected: yes. Observed: 1 variant allele.
Comment: DDX23: PM2, BP4

NM_004818.3(DDX23):c.1597C>T (p.Leu533=)

Gene: DDX23 (DEAD-box helicase 23; minus strand). Cytogenetic location: 12q13.12.
Variant type: single nucleotide variant.
Coding change: c.1597C>T on transcript NM_004818.3 (MANE Select); coding-DNA position 1597, C replaced by T.
Protein change: p.Leu533=; no amino-acid change (leucine 533 retained).
Molecular consequence: synonymous variant.
Genome position (GRCh38, 1-based): chr12:48,833,483, G>A on the plus strand (C>T on the coding strand, the complement: DDX23 is on the minus strand). VCF-style: chr12-48833483-G-A. GRCh37 (hg19) VCF-style: chr12-49227266-G-A.
Identifiers: ClinVar variation 5041783 (VCV005041783.1).